The following is an entry in ClinVar:

NM_001099922.3(ALG13):c.2790A>C (p.Pro930=)

Gene: ALG13 (ALG13 UDP-N-acetylglucosaminyltransferase subunit; plus strand). Cytogenetic location: Xq23.
Variant type: single nucleotide variant.
Coding change: c.2790A>C on transcript NM_001099922.3 (MANE Select); coding-DNA position 2790, A replaced by C.
Protein change: p.Pro930=; no amino-acid change (proline 930 retained).
Molecular consequence: synonymous variant. On other transcripts: intron variant (5).
Genome position (GRCh38, 1-based): chrX:111,744,762, A>C. VCF-style: chrX-111744762-A-C. GRCh37 (hg19) VCF-style: chrX-110987990-A-C.
Other names: c.2556A>C, p.Pro852= (NM_001257231.2); c.2383+7883A>C (NM_001257237.2, NM_001257234.2, NM_001257230.2); c.2209+7883A>C (NM_001324293.1); c.2695+7883A>C (NM_001324292.2); c.2790A>C (NM_001099922.2).
Identifiers: ClinVar variation 1095306 (VCV001095306.12), dbSNP rs1602888750, ClinGen allele CA518059788.

ClinVar aggregate classification (germline): Likely benign. Review status: criteria provided, multiple submitters, no conflicts (2 of 4 stars). 3 submissions from 3 submitters: Likely benign (2). 1 of the submissions does not count toward it. Last evaluated 2025-12-21.

Conditions:
ALG13-related disorder. Also called: ALG13-related condition.
Developmental and epileptic encephalopathy, 36 (DEE36). Also called: Epileptic encephalopathy, early infantile, 36; ALG13-CDG; Congenital disorder of glycosylation, type Is. Identifiers: Orphanet 324422, MedGen C4317295, MONDO:0010472, OMIM 300884.

Submissions (3):

Labcorp Genetics (formerly Invitae), Labcorp
Classification: Likely benign for Developmental and epileptic encephalopathy, 36. Last evaluated: 2025-12-21. Review status: criteria provided, single submitter. Criteria: Invitae Variant Classification Sherloc (09022015). Collection method: clinical testing. Allele origin: germline.

Blueprint Genetics
Classification: Likely benign. Last evaluated: 2024-11-27. Review status: criteria provided, single submitter. Criteria: ACMG Guidelines, 2015. Collection method: clinical testing. Allele origin: germline.

PreventionGenetics, part of Exact Sciences
Classification: Likely benign for ALG13-related condition. Last evaluated: 2019-05-10. Review status: no assertion criteria provided. Collection method: clinical testing. Allele origin: germline. Not counted in ClinVar's aggregate classification.
Comment: This variant is classified as likely benign based on ACMG/AMP sequence variant interpretation guidelines (Richards et al. 2015 PMID: 25741868, with internal and published modifications).